The following is an entry in ClinVar:

ClinVar aggregate classification (germline): Pathogenic/Likely pathogenic. Review status: criteria provided, multiple submitters, no conflicts (2 of 4 stars). 2 submissions from 2 submitters: Pathogenic (1); Likely pathogenic (1). Last evaluated 2026-02-06.

Conditions:
Autosomal recessive titinopathy. Identifiers: MedGen CN315649, MONDO:0100493.
Dilated cardiomyopathy 1G (CMD1G). Identifiers: Orphanet 154, MedGen C1858763, MONDO:0011400, OMIM 604145.
Autosomal recessive limb-girdle muscular dystrophy type 2J (LGMDR10). Also called: Limb-girdle muscular dystrophy, type 2J; MUSCULAR DYSTROPHY, LIMB-GIRDLE, AUTOSOMAL RECESSIVE 10. Identifiers: Orphanet 140922, MedGen C1837342, MONDO:0012127, OMIM 608807.

Submissions (2):

Myofin, Folkhalsan Research Center
Classification: Pathogenic for Autosomal recessive titinopathy. Last evaluated: 2026-02-06. Review status: criteria provided, single submitter. Criteria: ACMG Guidelines, 2015. Collection method: research. Allele origin: germline. Affected: yes.
Comment: TTN loss-of-function is an established mechanism for autosomal recessive titinopathies. ACMG/AMP criteria applied: PVS1 (predicted loss of function), PM2_Supporting (absent/rare in population databases), and PP4_Supporting (highly consistent clinical phenotype). Overall classification: Pathogenic for recessive titinopathy.

Labcorp Genetics (formerly Invitae), Labcorp
Classification: Likely pathogenic for Dilated cardiomyopathy 1G; Autosomal recessive limb-girdle muscular dystrophy type 2J. Last evaluated: 2022-03-14. Review status: criteria provided, single submitter. Criteria: Invitae Variant Classification Sherloc (09022015). Collection method: clinical testing. Allele origin: germline.
Comment: This sequence change creates a premature translational stop signal (p.Ile22861Serfs*14) in the TTN gene. While this is not anticipated to result in nonsense mediated decay, it is expected to create a truncated TTN protein. This variant is not present in population databases (gnomAD no frequency). This variant has not been reported in the literature in individuals affected with TTN-related conditions. This variant is located in the A band of TTN (PMID: 25589632). Truncating variants in this region are significantly overrepresented in patients affected with dilated cardiomyopathy (PMID: 25589632). Truncating variants in this region have also been reported in individuals affected with autosomal recessive centronuclear myopathy (PMID: 23975875). In summary, the currently available evidence indicates that the variant is pathogenic, but additional data are needed to prove that conclusively. Therefore, this variant has been classified as Likely Pathogenic.

Literature cited by the submitters: DOI 10.1101/2025.07.17.25331137 (cited by Myofin, Folkhalsan Research Center); PubMed 25589632 (cited by Labcorp Genetics (formerly Invitae), Labcorp); PubMed 23975875 (cited by Labcorp Genetics (formerly Invitae), Labcorp).

NM_001267550.2(TTN):c.68575_68576dup (p.Ile22861fs)

Genes: TTN (titin; minus strand), TTN-AS1 (TTN antisense RNA 1; plus strand). Cytogenetic location: 2q31.2.
Variant type: Duplication.
Coding change: c.68575_68576dup on transcript NM_001267550.2 (MANE Select); coding-DNA positions 68575 to 68576, 2 bases duplicated (AC; older notation c.68575_68576dupAC).
Protein change: p.Ile22861fs; shifts the reading frame from isoleucine 22861.
Molecular consequence: frameshift variant.
Genome position (GRCh38, 1-based): chr2:178,577,850-178,577,851, GT duplicated on the plus strand (AC on the coding strand, the reverse complement: TTN is on the minus strand). VCF-style (leftmost placement, unchanged base first): chr2-178577849-A-AGT. GRCh37 (hg19) VCF-style: chr2-179442576-A-AGT.
Other names: c.63652_63653dup, p.Ile21220fs (NM_001256850.1); c.41380_41381dup, p.Ile13796fs (NM_003319.4); c.60871_60872dup, p.Ile20293fs (NM_133378.4); c.41755_41756dup, p.Ile13921fs (NM_133432.3); c.41956_41957dup, p.Ile13988fs (NM_133437.4); short protein forms I22861fs, I13988fs, I20293fs, I13921fs, I13796fs, I21220fs.
Identifiers: ClinVar variation 2099468 (VCV002099468.4), dbSNP rs2468801391, ClinGen allele CA2580064953.